The following is an entry in ClinVar:

NM_001288705.3(CSF1R):c.2764-16T>A

Gene: CSF1R (colony stimulating factor 1 receptor; minus strand). Cytogenetic location: 5q32.
Variant type: single nucleotide variant.
Coding change: c.2764-16T>A on transcript NM_001288705.3 (MANE Select); 16 bases into the intron before coding-DNA position 2764, T replaced by A.
Molecular consequence: intron variant.
Genome position (GRCh38, 1-based): chr5:150,054,240, A>T on the plus strand (T>A on the coding strand, the complement: CSF1R is on the minus strand). VCF-style: chr5-150054240-A-T. GRCh37 (hg19) VCF-style: chr5-149433803-A-T.
Other names: c.2320-16T>A (NM_001375321.1); c.2764-16T>A (NM_005211.4, NM_001375320.1, NM_001349736.2).
Identifiers: ClinVar variation 3003433 (VCV003003433.3), dbSNP rs2480936188, ClinGen allele CA2740094139.

ClinVar aggregate classification (germline): Uncertain significance (1 of 4 stars; one submission).

Submission:

Labcorp Genetics (formerly Invitae), Labcorp
Classification: Uncertain significance. Last evaluated: 2023-10-09. Review status: criteria provided, single submitter. Criteria: Invitae Variant Classification Sherloc (09022015). Collection method: clinical testing. Allele origin: germline.
Comment: This sequence change falls in intron 21 of the CSF1R gene. It does not directly change the encoded amino acid sequence of the CSF1R protein. This variant is not present in population databases (gnomAD no frequency). This variant has not been reported in the literature in individuals affected with CSF1R-related conditions. Algorithms developed to predict the effect of sequence changes on RNA splicing suggest that this variant may create or strengthen a splice site. In summary, the available evidence is currently insufficient to determine the role of this variant in disease. Therefore, it has been classified as a Variant of Uncertain Significance.